The following is an entry in ClinVar:

ClinVar aggregate classification (germline): Uncertain significance (1 of 4 stars; one submission).

Conditions:
Early-infantile DEE. Also called: Early infantile epileptic encephalopathy with suppression bursts; Early infantile epileptic encephalopathy; Ohtahara syndrome. Identifiers: Orphanet 1934, MedGen C0393706, MONDO:0800491.

Allele frequency attached by ClinVar (database versions not stated): gnomAD exomes 0.00001.
gnomAD v4.1: 6 of 1,614,112 alleles (0.00037%); highest among the groups gnomAD compares: Non-Finnish European, 0.00051%; no homozygotes.

Submission:

Labcorp Genetics (formerly Invitae), Labcorp
Classification: Uncertain significance for Early-infantile DEE. Last evaluated: 2023-05-17. Review status: criteria provided, single submitter. Criteria: Invitae Variant Classification Sherloc (09022015). Collection method: clinical testing. Allele origin: germline.
Comment: Advanced modeling of protein sequence and biophysical properties (such as structural, functional, and spatial information, amino acid conservation, physicochemical variation, residue mobility, and thermodynamic stability) has been performed at Invitae for this missense variant, however the output from this modeling did not meet the statistical confidence thresholds required to predict the impact of this variant on SPTAN1 protein function. In summary, the available evidence is currently insufficient to determine the role of this variant in disease. Therefore, it has been classified as a Variant of Uncertain Significance. This variant has not been reported in the literature in individuals affected with SPTAN1-related conditions. This variant is not present in population databases (gnomAD no frequency). This sequence change replaces valine, which is neutral and non-polar, with methionine, which is neutral and non-polar, at codon 1804 of the SPTAN1 protein (p.Val1804Met).

NM_001130438.3(SPTAN1):c.5410G>A (p.Val1804Met)

Gene: SPTAN1 (spectrin alpha, non-erythrocytic 1; plus strand). Cytogenetic location: 9q34.11.
Variant type: single nucleotide variant.
Coding change: c.5410G>A on transcript NM_001130438.3 (MANE Select); coding-DNA position 5410, G replaced by A.
Protein change: p.Val1804Met; replaces valine 1804 with methionine.
Molecular consequence: missense variant.
Genome position (GRCh38, 1-based): chr9:128,617,692, G>A. VCF-style: chr9-128617692-G-A. GRCh37 (hg19) VCF-style: chr9-131379971-G-A.
Other names: c.5410G>A, p.Val1804Met (NM_001375313.1, NM_001363759.2, NM_001375310.1 and 1 more transcripts); c.5350G>A, p.Val1784Met (NM_001375314.2, NM_001363765.2); c.5446G>A, p.Val1816Met (NM_001375318.1, NM_001375312.2); c.5395G>A, p.Val1799Met (NM_003127.4); c.5335G>A, p.Val1779Met (NM_001195532.2); short protein forms V1799M, V1804M, V1816M, V1784M, V1779M.
Identifiers: ClinVar variation 2957151 (VCV002957151.3), dbSNP rs2541939928, ClinGen allele CA375076073.